The following is an entry in ClinVar:

ClinVar aggregate classification (germline): Pathogenic (1 of 4 stars; one submission).

Conditions:
Duchenne muscular dystrophy (DMD). Also called: Duchenne Muscular Dystrophy (DMD); MUSCULAR DYSTROPHY, PSEUDOHYPERTROPHIC PROGRESSIVE, DUCHENNE TYPE. Identifiers: Orphanet 98896, MedGen C0013264, MONDO:0010679, OMIM 310200.

Submission:

Labcorp Genetics (formerly Invitae), Labcorp
Classification: Pathogenic for Duchenne muscular dystrophy. Last evaluated: 2019-06-03. Review status: criteria provided, single submitter. Criteria: Invitae Variant Classification Sherloc (09022015). Collection method: clinical testing. Allele origin: germline.
Comment: This variant is an out-of-frame deletion of the genomic region encompassing exons 22-30 of the DMD gene. This is expected to create a premature translational stop signal and result in an absent or disrupted protein product. This variant has been observed in several individuals affected with Duchenne or Becker muscular dystrophy (PMID: 15655674). Loss-of-function variants in DMD are known to be pathogenic (PMID: 16770791, 25007885). For these reasons, this variant has been classified as Pathogenic.

Literature cited by the submitters: PubMed 15655674; PubMed 16770791; PubMed 25007885.

NC_000023.11:g.(?_32411742)_(32472319_?)del

Gene: DMD (dystrophin; minus strand). Cytogenetic location: Xp21.1.
Variant type: Deletion.
Identifiers: ClinVar variation 832393 (VCV000832393.8).